The following continues an entry in ClinVar:

NM_000051.4(ATM):c.9023G>A (p.Arg3008His)

ClinVar aggregate classification (germline): Likely pathogenic. Likely pathogenic (1). ClinVar aggregate classification (somatic clinical impact): Tier I - Strong.

Submissions 7 to 16 of 22:

Ambry Genetics
Classification: Likely pathogenic for Hereditary cancer-predisposing syndrome. Last evaluated: 2025-08-01. Review status: criteria provided, single submitter. Criteria: Ambry Variant Classification Scheme 2023. Collection method: clinical testing. Allele origin: germline. Not counted in ClinVar's aggregate classification.
Comment: The p.R3008H variant (also known as c.9023G>A), located in coding exon 62 of the ATM gene, results from a G to A substitution at nucleotide position 9023. The arginine at codon 3008 is replaced by histidine, an amino acid with highly similar properties. In one study, this alteration was reported in conjunction with a nonsense ATM mutation in a child with ataxia-telangiectasia (A-T). In the same study, this alteration was detected in 1/122 breast cancer patients with a family history of both breast cancer and a hematological malignancy and was not seen in any of the 186 control patients (Paglia LL et al. Breast Cancer Res.Treat. 2010; 119:443-52). A functional study performed in p.R3008H expressing mice demonstrated the mice are viable, immunodeficient, and displayed spontaneous craniofacial abnormalities and delayed lymphomagenesis compared to Atm-/- controls; the mutant animals also displayed cell cycle checkpoint defects and reduced lymphocyte development (Milanovic M et al. Cancer Res, 2021 Jan;81:426-437). This amino acid position is highly conserved in available vertebrate species. This variant is considered to be rare based on population cohorts in the Genome Aggregation Database (gnomAD). In addition, the in silico prediction for this alteration is inconclusive. Based on the majority of available evidence to date, this variant is likely to be pathogenic.

Natera, Inc.
Classification: Likely pathogenic for Ataxia-telangiectasia. Last evaluated: 2025-03-11. Review status: criteria provided, single submitter. Criteria: Natera Variant Classification Schema (03/2026). Collection method: clinical testing. Allele origin: germline. Not counted in ClinVar's aggregate classification.
Comment: The c.9023G>A variant in ATM is a missense variant predicted to cause substitution of arginine to histidine at amino acid 3008. This variant is rare in the general population with a frequency below the threshold expected for the associated phenotype(s). This variant has been observed in one or more individuals affected with the associated recessive disease, as either homozygous or compound heterozygous with a second variant (PMID: 33598286, 32754152, 21665257). A different variant at the same position has been determined to be Pathogenic or Likely Pathogenic. Computational prediction algorithms indicate this variant is likely to affect gene or protein function. Given the available evidence, this variant is classified as Likely Pathogenic.

Baylor Genetics
Classification: Pathogenic for Familial cancer of breast. Last evaluated: 2024-02-16. Review status: criteria provided, single submitter. Criteria: ACMG Guidelines, 2015. Collection method: clinical testing. Allele origin: unknown. Not counted in ClinVar's aggregate classification.

Color Diagnostics, LLC DBA Color Health
Classification: Likely pathogenic for Hereditary cancer-predisposing syndrome. Last evaluated: 2024-02-12. Review status: criteria provided, single submitter. Criteria: ACMG Guidelines, 2015. Collection method: clinical testing. Allele origin: germline. Not counted in ClinVar's aggregate classification.
Comment: This missense variant replaces arginine with histidine at codon 3008 of the ATM protein. Computational prediction suggests that this variant may not impact protein structure and function. Mouse models carrying this variant were immunodeficient and displayed spontaneous craniofacial abnormalities and delayed lymphomagenesis compared with wild type controls (PMID: 33239428). This variant has been reported in individuals affected with ataxia-telangiectasia (PMID: 21665257, 30549301). This variant has also been reported in individuals with a personal and/or family history of breast cancer or colorectal cancer (PMID: 19404735, 29752822, 31118792). In addition, a different variant affecting the same amino acid position (p.Arg3008Cys) is considered to be disease-causing (ClinVar variation ID: 142187), suggesting that arginine at this position is important for protein structure and function. This variant has been identified in 2/246168 chromosomes in the general population by the Genome Aggregation Database (gnomAD). Based on the available evidence, this variant is classified as Likely Pathogenic.

Myriad Genetics, Inc.
Classification: Likely pathogenic for Familial cancer of breast. Last evaluated: 2024-02-06. Review status: criteria provided, single submitter. Criteria: Myriad Autosomal Dominant, Autosomal Recessive and X-Linked Classification Criteria (2023). Collection method: clinical testing. Allele origin: unknown. Not counted in ClinVar's aggregate classification.
Comment: This variant is considered likely pathogenic. This variant has been reported in multiple individuals with clinical features of gene-specific disease [PMID: 21665257, 32754152]. Functional studies indicate this variant impacts protein function [PMID: 33239428, 12552566, 18573109, 23585524]. This variant is expected to disrupt protein structure [Myriad internal data].

Quest Diagnostics Nichols Institute San Juan Capistrano
Classification: Pathogenic. Last evaluated: 2024-01-23. Review status: criteria provided, single submitter. Criteria: Quest Diagnostics criteria. Collection method: clinical testing. Allele origin: unknown. Not counted in ClinVar's aggregate classification.
Comment: The ATM c.9023G>A (p.Arg3008His) variant has been reported in individuals with prostate cancer (PMID: 35886069 (2022), 33436325 (2021)), breast cancer (PMID: 35264596 (2022), 29752822 (2018)), and melanoma (PMID: 33280026 (2021), 31263571 (2019)). This variant has also been identified in individuals with ataxia-telangiectasia who also carried other pathogenic ATM variants (PMID: 32754152 (2020), 30549301 (2019), 21665257 (2011)). In addition, this variant is statistically more frequent in individuals affected with an ATM related disorder than in the general population and/or healthy controls In addition, this variant is statistically more frequent in individuals affected with an ATM related disorder than in the general population and/or healthy controls (PMID: 12149228 (2002), 12697903 (2003), 21665257 (2011), 21933854 (2011), 24584352 (2014), 35264596 (2022)). Assessment of experimental evidence suggests this variant results in abnormal protein function (PMID: 11756177 (2002), 23585524 (2013), 33239428 (2021)). The frequency of this variant in the general population, 0.0000071 (2/282806 chromosomes (Genome Aggregation Database)), is consistent with pathogenicity. Based on the available information, this variant is classified as pathogenic.

Institute for Genomic Medicine (IGM) Clinical Laboratory, Nationwide Children's Hospital
Classification: Pathogenic for ATM-related cancer predisposition. Last evaluated: 2023-07-27. Review status: criteria provided, single submitter. Criteria: ACMG Guidelines, 2015. Collection method: clinical testing. Allele origin: germline. Not counted in ClinVar's aggregate classification.
Comment: This variant has been reported at an elevated frequency in affected individuals/in multiple affected individuals in the literature (ACMG/AMP: PS4; PMIDs:19404735, 29752822, 31118792, 33436325, 21665257, 30549301). This variant is absent from or present at an exceedingly low frequency in gnomAD, a large-scale control population database (ACMG/AMP: PM2). This variant has been observed in trans with a pathogenic variant (ACMG/AMP: PM3; PMID:21665257). A different substitution at this amino acid position has been reported as pathogenic (ACMG/AMP: PM5).

Blueprint Genetics
Classification: Likely pathogenic for ATM-related disorders. Last evaluated: 2023-05-31. Review status: criteria provided, single submitter. Criteria: ACMG Guidelines, 2015. Collection method: clinical testing. Allele origin: germline. Affected: yes. Observed: 4 variant alleles. Not counted in ClinVar's aggregate classification.

Institute for Genomic Medicine (IGM) Clinical Laboratory, Nationwide Children's Hospital
Classification: Tier I - Strong for Diffuse midline glioma, H3 K27M-mutant. Assertion type: diagnostic. Clinical significance: supports diagnosis. Last evaluated: 2023-03-10. Review status: criteria provided, single submitter. Criteria: AMP/ASCO/CAP Guidelines, 2017. Collection method: clinical testing. Allele origin: somatic. Affected: yes.
Comment: Variant has Tier I (strong) clinical significance as a diagnostic inclusion criterion in diffuse midline glioma, H3 K27M-mutant, based on the following evidence: 1) Documented in one or more cancer databases (e.g., St. Jude Pecan, COSMIC, CIViC, OncoKB). 2) Appears in one or more well-established professional guidelines (e.g., World Health Organization [WHO]; National Comprehensive Cancer Network [NCCN]) as providing diagnostic, prognostic, or therapeutic information. 3) Information in the literature supports potential biologic effect of variant (PMID: 33239428). 4) Diagnostic for a specific tumor type/classification based on well-powered studies with expert-level consensus (Evidence Level B; PMIDs: 28966033, 29763623, 28912153, 24705252).

Women's Health and Genetics/Laboratory Corporation of America, LabCorp
Classification: Likely pathogenic for Malignant tumor of breast. Last evaluated: 2022-08-11. Review status: criteria provided, single submitter. Criteria: LabCorp Variant Classification Summary - May 2015. Collection method: clinical testing. Allele origin: germline. Not counted in ClinVar's aggregate classification.
Comment: Variant summary: ATM c.9023G>A (p.Arg3008His) results in a non-conservative amino acid change located in the Phosphatidylinositol 3-/4-kinase, catalytic domain of the encoded protein sequence. Four of five in-silico tools predict a damaging effect of the variant on protein function. The variant allele was found at a frequency of 8e-06 in 251410 control chromosomes (gnomAD). c.9023G>A has been reported in the literature in individuals affected with Breast Cancer (Li_2018, Pagila_2010), Ataxia-Telangiectasia (Micol_2011, Schon_2019), colorectal cancer (Gong_2019), along with multiple somatic occurrences (Austen_2007, Camacho_2002, Chang_2015, Fang_2003, Gronbaek_2002, Ida_2019, Navrkalova_2013, Schaffner_1999). These data indicate that the variant is likely to be associated with disease. In addition, another missense change at this position, R3008C, has been highly reported to be associated with cancer and A-T. To our knowledge, no experimental evidence demonstrating an impact on protein function has been reported. Eight ClinVar submissions (evaluation after 2014) cite the variant as likely pathogenic (n=7)/pathogenic (n=1). Based on the evidence outlined above, the variant was classified as likely pathogenic.